The following is an entry in ClinVar:

ClinVar aggregate classification (germline): Uncertain significance. Review status: criteria provided, multiple submitters, no conflicts (2 of 4 stars). 2 submissions from 2 submitters: Uncertain significance (2). Last evaluated 2025-05-07.

gnomAD v4.1: 55 of 1,613,624 alleles (0.0034%); highest among the groups gnomAD compares: East Asian, 0.0045%; no homozygotes.

Submissions (2):

Ambry Genetics
Classification: Uncertain significance. Last evaluated: 2025-05-07. Review status: criteria provided, single submitter. Criteria: Ambry Variant Classification Scheme 2023. Collection method: clinical testing. Allele origin: germline.

Labcorp Genetics (formerly Invitae), Labcorp
Classification: Uncertain significance. Last evaluated: 2022-04-09. Review status: criteria provided, single submitter. Criteria: Invitae Variant Classification Sherloc (09022015). Collection method: clinical testing. Allele origin: germline.
Comment: This sequence change replaces arginine, which is basic and polar, with cysteine, which is neutral and slightly polar, at codon 306 of the CDCA7 protein (p.Arg306Cys). This variant is present in population databases (rs763027787, gnomAD 0.02%). This variant has not been reported in the literature in individuals affected with CDCA7-related conditions. Algorithms developed to predict the effect of missense changes on protein structure and function are either unavailable or do not agree on the potential impact of this missense change (SIFT: "Deleterious"; PolyPhen-2: "Probably Damaging"; Align-GVGD: "Class C15"). In summary, the available evidence is currently insufficient to determine the role of this variant in disease. Therefore, it has been classified as a Variant of Uncertain Significance.

NM_031942.5(CDCA7):c.916C>T (p.Arg306Cys)

Gene: CDCA7 (cell division cycle associated 7; plus strand). Cytogenetic location: 2q31.1.
Variant type: single nucleotide variant.
Coding change: c.916C>T on transcript NM_031942.5 (MANE Select); coding-DNA position 916, C replaced by T.
Protein change: p.Arg306Cys; replaces arginine 306 with cysteine.
Molecular consequence: missense variant.
Genome position (GRCh38, 1-based): chr2:173,365,473, C>T. VCF-style: chr2-173365473-C-T. GRCh37 (hg19) VCF-style: chr2-174230201-C-T.
Other names: c.679C>T, p.Arg227Cys (NM_145810.3); c.916C>T (NM_031942.4); short protein forms R227C, R306C.
Identifiers: ClinVar variation 1948223 (VCV001948223.5), dbSNP rs763027787, ClinGen allele CA1971388.
Genomic context (GRCh38, chr2:173,365,473, plus strand): 5'-AGTTTTGAAGTTCTGTGTTTTGTATTCCTTGTAATGCAGGAAGATGACCTGCCCAGAAGC[C>T]GTCGCTCCAGATCATCCGTGACCCTTCCGCATATAATTCGCCCAGTGGAAGAAATTACAG-3'
Protein context (NP_114148.3, residues 296-316): YMNEDDLPRS[Arg306Cys]RSRSSVTLPH